The following is an entry in ClinVar:

ClinVar aggregate classification (germline): Uncertain significance (1 of 4 stars; one submission).

Allele frequency attached by ClinVar (database versions not stated): gnomAD 0.00001; TOPMed 0.00002.
gnomAD v4.1: 16 of 1,586,818 alleles (0.001%); highest among the groups gnomAD compares: Non-Finnish European, 0.0014%; no homozygotes.

Submission:

Labcorp Genetics (formerly Invitae), Labcorp
Classification: Uncertain significance. Last evaluated: 2022-09-01. Review status: criteria provided, single submitter. Criteria: Invitae Variant Classification Sherloc (09022015). Collection method: clinical testing. Allele origin: germline.
Comment: Algorithms developed to predict the effect of sequence changes on RNA splicing suggest that this variant may create or strengthen a splice site. In summary, the available evidence is currently insufficient to determine the role of this variant in disease. Therefore, it has been classified as a Variant of Uncertain Significance. ClinVar contains an entry for this variant (Variation ID: 1417975). This variant has not been reported in the literature in individuals affected with CPLX1-related conditions. This variant is present in population databases (no rsID available, gnomAD 0.001%). This sequence change falls in intron 3 of the CPLX1 gene. It does not directly change the encoded amino acid sequence of the CPLX1 protein.

NM_006651.4(CPLX1):c.208-5C>A

Gene: CPLX1 (complexin 1; minus strand). Cytogenetic location: 4p16.3.
Variant type: single nucleotide variant.
Coding change: c.208-5C>A on transcript NM_006651.4 (MANE Select); 5 bases into the intron before coding-DNA position 208, C replaced by A.
Molecular consequence: intron variant.
Genome position (GRCh38, 1-based): chr4:786,703, G>T on the plus strand (C>A on the coding strand, the complement: CPLX1 is on the minus strand). VCF-style: chr4-786703-G-T. GRCh37 (hg19) VCF-style: chr4-780491-G-T.
Identifiers: ClinVar variation 1417975 (VCV001417975.6), dbSNP rs948890711, ClinGen allele CA91112567.